The following is an entry in ClinVar:

NC_000016.10:g.(?_23621352)_(23641167_?)del

Gene: PALB2 (partner and localizer of BRCA2; minus strand). Cytogenetic location: 16p12.2.
Variant type: Deletion.
Identifiers: ClinVar variation 583551 (VCV000583551.4).

ClinVar aggregate classification (germline): Pathogenic (1 of 4 stars; one submission).

Conditions:
Familial cancer of breast. Also called: Hereditary breast cancer; hereditary breast carcinoma; BREAST CANCER, FAMILIAL. Identifiers: Orphanet 227535, MedGen C0346153, MONDO:0016419, OMIM 114480. Disease mechanism: loss of function.

Submission:

Labcorp Genetics (formerly Invitae), Labcorp
Classification: Pathogenic for Hereditary Breast Carcinoma. Last evaluated: 2019-06-24. Review status: criteria provided, single submitter. Criteria: Invitae Variant Classification Sherloc (09022015). Collection method: clinical testing. Allele origin: germline.
Comment: This variant is a gross deletion of the genomic region encompassing exons 1-10 of the PALB2 gene, which includes the initiator codon. The 5' end of this event is unknown as it extends beyond the assayed region for this gene and therefore may encompass additional genes. The 3' boundary is likely confined to intron 10 of the PALB2 gene. This is expected to result in an absent or disrupted protein product. A gross deletion of exons 1-10 has been observed on the opposite chromosome (in trans) from a pathogenic variant in an individual affected with Fanconi anemia (PMID: 17200672). This finding is consistent with autosomal recessive inheritance, and suggests that this variant contributes to disease. Loss-of-function variants in PALB2 are known to be pathogenic (PMID: 17200668, 24136930, 25099575). For these reasons, this variant has been classified as Pathogenic.

Literature cited by the submitters: PubMed 17200672.